The following is an entry in ClinVar:

NM_004336.5(BUB1):c.451C>T (p.His151Tyr)

Gene: BUB1 (BUB1 mitotic checkpoint serine/threonine kinase; minus strand). Cytogenetic location: 2q13.
Variant type: single nucleotide variant.
Coding change: c.451C>T on transcript NM_004336.5 (MANE Select); coding-DNA position 451, C replaced by T.
Protein change: p.His151Tyr; replaces histidine 151 with tyrosine.
Molecular consequence: missense variant.
Genome position (GRCh38, 1-based): chr2:110,670,540, G>A on the plus strand (C>T on the coding strand, the complement: BUB1 is on the minus strand). VCF-style: chr2-110670540-G-A. GRCh37 (hg19) VCF-style: chr2-111428117-G-A.
Other names: c.391C>T, p.His131Tyr (NM_001278616.2); c.451C>T, p.His151Tyr (NM_001278617.2); short protein forms H131Y, H151Y.
Identifiers: ClinVar variation 3483072 (VCV003483072.1).

ClinVar aggregate classification (germline): Uncertain significance (1 of 4 stars; one submission).

Submission:

Ambry Genetics
Classification: Uncertain significance. Last evaluated: 2024-10-08. Review status: criteria provided, single submitter. Criteria: Ambry Variant Classification Scheme 2023. Collection method: clinical testing. Allele origin: germline.
Comment: The p.H151Y variant (also known as c.451C>T), located in coding exon 5 of the BUB1 gene, results from a C to T substitution at nucleotide position 451. The histidine at codon 151 is replaced by tyrosine, an amino acid with similar properties. This amino acid position is conserved. In addition, this alteration is predicted to be tolerated by in silico analysis. Based on the available evidence, the clinical significance of this variant remains unclear.